The following is an entry in ClinVar:

ClinVar aggregate classification (germline): Uncertain significance (1 of 4 stars; one submission).

Conditions:
Cardiomyopathy (CMYO). Also called: Cardiomyopathies. Identifiers: Orphanet 167848, MedGen C0878544, MONDO:0004994, HP:0001638. Inheritance: Various modes of inheritance.

Submission:

Color Diagnostics, LLC DBA Color Health
Classification: Uncertain significance for Cardiomyopathy. Last evaluated: 2025-09-04. Review status: criteria provided, single submitter. Criteria: ACMG Guidelines, 2015. Collection method: clinical testing. Allele origin: germline.
Comment: This variant causes a C to T nucleotide substitution at the -3 position of intron 4 of the LMNA gene. To our knowledge, functional studies have not been reported for this variant. This variant has been reported in an individual affected with cardiolaminopathy (PMID: 23062543). This variant has not been identified in the general population by the Genome Aggregation Database (gnomAD). The available evidence is insufficient to determine the role of this variant in disease conclusively. Therefore, this variant is classified as a Variant of Uncertain Significance.

Literature cited by the submitters: PubMed 23062543.

NM_170707.4(LMNA):c.811-3C>T

Gene: LMNA (lamin A/C; plus strand). Cytogenetic location: 1q22.
Variant type: single nucleotide variant.
Coding change: c.811-3C>T on transcript NM_170707.4 (MANE Select); 3 bases into the intron before coding-DNA position 811, C replaced by T.
Molecular consequence: intron variant.
Genome position (GRCh38, 1-based): chr1:156,135,184, C>T. VCF-style: chr1-156135184-C-T. GRCh37 (hg19) VCF-style: chr1-156104975-C-T.
Other names: c.811-3C>T (NM_001406983.1, NM_001282625.2, NM_001406984.1 and 6 more transcripts); c.253-3C>T (NM_001407002.1, NM_001406993.1, NM_001407003.1 and 4 more transcripts); c.147-3C>T (NM_001406999.1, NM_001407000.1, NM_001406994.1 and 1 more transcripts); c.568-3C>T (NM_001406986.1, NM_001406987.1, NM_001282624.2); c.475-3C>T (NM_001406989.1, NM_001257374.3, NM_001406998.1); c.514-3C>T (NM_001406988.1).
Identifiers: ClinVar variation 4757944 (VCV004757944.1).